The following is an entry in ClinVar:

NM_183050.4(BCKDHB):c.*726A>G

Gene: BCKDHB (branched chain keto acid dehydrogenase E1 subunit beta; plus strand). Cytogenetic location: 6q14.1.
Variant type: single nucleotide variant.
Coding change: c.*726A>G on transcript NM_183050.4 (MANE Select); 726 bases downstream of the stop codon, A replaced by G.
Molecular consequence: 3 prime UTR variant. On other transcripts: non-coding transcript variant (1), intron variant (1).
Genome position (GRCh38, 1-based): chr6:80,344,530, A>G. VCF-style: chr6-80344530-A-G. GRCh37 (hg19) VCF-style: chr6-81054247-A-G.
Other names: c.*726A>G (NM_001318975.1); c.*8+718A>G (NM_000056.5).
Identifiers: ClinVar variation 358187 (VCV000358187.5), dbSNP rs147544283, ClinGen allele CA10624839.

ClinVar aggregate classification (germline): Benign (1 of 4 stars; one submission).

Conditions:
Maple syrup urine disease (MSUD). Identifiers: Orphanet 511, MedGen C0024776, MeSH D008375, MONDO:0009563. Disease mechanism: loss of function.

Allele frequency attached by ClinVar (database versions not stated): gnomAD exomes 0.00180; gnomAD 0.01811 and 0.01967; TOPMed 0.02020; 1000 Genomes Project 30x 0.05028; 1000 Genomes Project 0.05152.
gnomAD v4.1: 2,977 of 152,386 alleles (2%); highest among the groups gnomAD compares: East Asian, 11%; 82 homozygotes.

Submission:

Illumina Laboratory Services, Illumina
Classification: Benign for Maple syrup urine disease type 1A. Last evaluated: 2018-01-13. Review status: criteria provided, single submitter. Criteria: ICSL Variant Classification Criteria 13 December 2019. Collection method: clinical testing. Allele origin: germline.
Comment: This variant was observed in the ICSL laboratory as part of a predisposition screen in an ostensibly healthy population. It had not been previously curated by ICSL or reported in the Human Gene Mutation Database (HGMD: prior to June 1st, 2018), and was therefore a candidate for classification through an automated scoring system. Utilizing variant allele frequency, disease prevalence and penetrance estimates, and inheritance mode, an automated score was calculated to assess if this variant is too frequent to cause the disease. Based on the score and internal cut-off values, a variant classified as benign is not then subjected to further curation. The score for this variant resulted in a classification of benign for this disease.